The following is an entry in ClinVar:

ClinVar aggregate classification (germline): Benign. Review status: criteria provided, multiple submitters, no conflicts (2 of 4 stars). 3 submissions from 3 submitters: Benign (2). 1 of the submissions does not count toward it. Last evaluated 2018-04-10.

Conditions:
CPZ-related disorder. Also called: CPZ-related condition.

Allele frequency attached by ClinVar (database versions not stated): ExAC 0.00950; gnomAD 0.02877; TOPMed 0.03134; 1000 Genomes Project 0.03155; 1000 Genomes Project 30x 0.03186; ESP Exome Variant Server 0.03293.
gnomAD v4.1: 8,570 of 1,597,946 alleles (0.54%); highest among the groups gnomAD compares: African/African-American, 9.8%; 410 homozygotes.

Submissions (3):

Labcorp Genetics (formerly Invitae), Labcorp
Classification: Benign. Last evaluated: 2018-04-10. Review status: criteria provided, single submitter. Criteria: Invitae Variant Classification Sherloc (09022015). Collection method: clinical testing. Allele origin: germline.

Breakthrough Genomics
Classification: Benign. Review status: criteria provided, single submitter. Criteria: ACMG Guidelines, 2015. Collection method: not provided. Allele origin: germline. Inheritance: Unknown mechanism. Affected: yes.

PreventionGenetics, part of Exact Sciences
Classification: Benign for CPZ-related condition. Last evaluated: 2020-01-31. Review status: no assertion criteria provided. Collection method: clinical testing. Allele origin: germline. Not counted in ClinVar's aggregate classification.
Comment: This variant is classified as benign based on ACMG/AMP sequence variant interpretation guidelines (Richards et al. 2015 PMID: 25741868, with internal and published modifications).

NM_001014447.3(CPZ):c.1854G>A (p.Pro618=)

Gene: CPZ (carboxypeptidase Z; plus strand). Cytogenetic location: 4p16.1.
Variant type: single nucleotide variant.
Coding change: c.1854G>A on transcript NM_001014447.3 (MANE Select); coding-DNA position 1854, G replaced by A.
Protein change: p.Pro618=; no amino-acid change (proline 618 retained).
Molecular consequence: synonymous variant.
Genome position (GRCh38, 1-based): chr4:8,619,512, G>A. VCF-style: chr4-8619512-G-A. GRCh37 (hg19) VCF-style: chr4-8621239-G-A.
Other names: c.1443G>A, p.Pro481= (NM_001014448.3); c.1821G>A, p.Pro607= (NM_003652.4); c.1854G>A (NM_001014447.2).
Identifiers: ClinVar variation 775949 (VCV000775949.6), dbSNP rs78537066, ClinGen allele CA2854135.
Genomic context (GRCh38, chr4:8,619,512, plus strand): 5'-TGGGCCCCACGACCCACTGGGAGGTGCCAGCTCTTTGGGGGAGGCCACGGAGCCCGACCC[G>A]CTCCGGGCGCGCAGGCAGCCCTCGGCCGACGGGAGTAAGCCCTGGTGGTGGTCCTACTTC-3'
Protein context (NP_001014447.2, residues 608-628): SSLGEATEPD[Pro618=]LRARRQPSAD